The following is an entry in ClinVar:

ClinVar aggregate classification (germline): Uncertain significance (1 of 4 stars; one submission).

Conditions:
Wilson disease (WND). Also called: Wilson's disease. Identifiers: Orphanet 905, MedGen C0019202, MONDO:0010200, OMIM 277900. Disease mechanism: loss of function.

Submission:

All of Us Research Program, National Institutes of Health
Classification: Uncertain significance for Wilson disease. Last evaluated: 2023-04-03. Review status: criteria provided, single submitter. Criteria: ACMG Guidelines, 2015. Collection method: clinical testing. Allele origin: germline. Inheritance: Autosomal recessive inheritance. Observed: 1 variant allele, 1 heterozygote.
Comment: This missense variant replaces isoleucine with phenylalanine at codon 76 of the ATP7B protein. Computational prediction is inconclusive regarding the impact of this variant on protein structure and function (internally defined REVEL score threshold 0.5 < inconclusive < 0.7, PMID: 27666373). To our knowledge, functional studies have not been reported for this variant. This variant has not been reported in individuals affected with ATP7B-related disorders in the literature. This variant has been identified in 1/249192 chromosomes in the general population by the Genome Aggregation Database (gnomAD). The available evidence is insufficient to determine the role of this variant in disease conclusively. Therefore, this variant is classified as a Variant of Uncertain Significance.

This study involves interpretation of variants in research participants for the purpose of population health screening. Participant phenotype was not available at the time of variant classification. Additional details can be found in publication PMID: 35346344, PMCID: PMC8962531

NM_000053.4(ATP7B):c.226A>T (p.Ile76Phe)

Gene: ATP7B (ATPase copper transporting beta; minus strand). Cytogenetic location: 13q14.3.
Variant type: single nucleotide variant.
Coding change: c.226A>T on transcript NM_000053.4 (MANE Select); coding-DNA position 226, A replaced by T.
Protein change: p.Ile76Phe; replaces isoleucine 76 with phenylalanine.
Molecular consequence: missense variant.
Genome position (GRCh38, 1-based): chr13:51,974,994, T>A on the plus strand (A>T on the coding strand, the complement: ATP7B is on the minus strand). VCF-style: chr13-51974994-T-A. GRCh37 (hg19) VCF-style: chr13-52549130-T-A.
Other names: c.226A>T, p.Ile76Phe (NM_001406515.1, NM_001406516.1, NM_001406519.1 and 30 more transcripts); c.130A>T, p.Ile44Phe (NM_001406517.1, NM_001406518.1, NM_001406530.1 and 4 more transcripts); short protein forms I44F, I76F.
Identifiers: ClinVar variation 3070124 (VCV003070124.1), dbSNP rs200642204, ClinGen allele CA388044874.
Genomic context (GRCh38, chr13:51,974,994, plus strand): 5'-CTTGTTCCAGGGAAACCTTCATGCTGATGATGCCTTTCAAATTGGAAATCCTGTCCTCAA[T>A]GGACTTCACACATGACTGGCAAGTCATGCCCAAGATCCTGACTGTGCTGGTGGCCACCTG-3'
Protein context (NP_000044.2, residues 66-86): GMTCQSCVKS[Ile76Phe]EDRISNLKGI